The following is an entry in ClinVar:

ClinVar aggregate classification (germline): Uncertain significance. Review status: criteria provided, multiple submitters, no conflicts (2 of 4 stars). 2 submissions from 2 submitters: Uncertain significance (2). Last evaluated 2024-01-06.

Conditions:
Colorectal cancer. Also called: Colorectal cancer, somatic; Malignant Colorectal Neoplasm. Identifiers: MedGen C0346629, MONDO:0005575, OMIM 114500.

Allele frequency attached by ClinVar (database versions not stated): gnomAD 0.00001; ExAC 0.00002; TOPMed 0.00002; ESP Exome Variant Server 0.00015.

Submissions (2):

Fulgent Genetics
Classification: Uncertain significance for Colorectal cancer. Last evaluated: 2024-01-06. Review status: criteria provided, single submitter. Criteria: ACMG Guidelines, 2015. Collection method: clinical testing. Allele origin: germline.

Labcorp Genetics (formerly Invitae), Labcorp
Classification: Uncertain significance. Last evaluated: 2022-03-28. Review status: criteria provided, single submitter. Criteria: Invitae Variant Classification Sherloc (09022015). Collection method: clinical testing. Allele origin: germline.
Comment: This sequence change replaces serine, which is neutral and polar, with phenylalanine, which is neutral and non-polar, at codon 626 of the DLC1 protein (p.Ser626Phe). This variant is present in population databases (rs145626397, gnomAD 0.008%). This variant has not been reported in the literature in individuals affected with DLC1-related conditions. Algorithms developed to predict the effect of missense changes on protein structure and function (SIFT, PolyPhen-2, Align-GVGD) all suggest that this variant is likely to be disruptive. In summary, the available evidence is currently insufficient to determine the role of this variant in disease. Therefore, it has been classified as a Variant of Uncertain Significance.

NM_182643.3(DLC1):c.1877C>T (p.Ser626Phe)

Gene: DLC1 (DLC1 Rho GTPase activating protein; minus strand). Cytogenetic location: 8p22.
Variant type: single nucleotide variant.
Coding change: c.1877C>T on transcript NM_182643.3 (MANE Select); coding-DNA position 1877, C replaced by T.
Protein change: p.Ser626Phe; replaces serine 626 with phenylalanine.
Molecular consequence: missense variant.
Genome position (GRCh38, 1-based): chr8:13,100,460, G>A on the plus strand (C>T on the coding strand, the complement: DLC1 is on the minus strand). VCF-style: chr8-13100460-G-A. GRCh37 (hg19) VCF-style: chr8-12957969-G-A.
Other names: c.344C>T, p.Ser115Phe (NM_001164271.2, NM_001413133.1, NM_001413138.1 and 6 more transcripts); c.659C>T, p.Ser220Phe (NM_001413130.1); c.317C>T, p.Ser106Phe (NM_001413131.1, NM_001413137.1); c.803C>T, p.Ser268Phe (NM_001413132.1); c.566C>T, p.Ser189Phe (NM_001413135.1, NM_001413136.1, NM_001413139.1 and 1 more transcripts); c.701C>T, p.Ser234Phe (NM_001413140.1); c.668C>T, p.Ser223Phe (NM_001316668.2, NM_001413129.1); c.1877C>T, p.Ser626Phe (NM_001348081.2, NM_001413124.1); short protein forms S115F, S223F, S626F, S268F, S189F, S106F, S220F, S234F.
Identifiers: ClinVar variation 1971195 (VCV001971195.6), dbSNP rs145626397, ClinGen allele CA4638775.
Genomic context (GRCh38, chr8:13,100,460, plus strand): 5'-AGTTCCTTGGGAGAGGGCAGGCTGCCGAAAGAGTCGTCATTGCCTGCCAAGTTGCTGGAG[G>A]AGCAAACGCTGATGACGGAGTTAGTCCGGGGGGTGGCAGCATCCTCGCTGGGGGGCGCGT-3'
Protein context (NP_872584.2, residues 616-636): PRTNSVISVC[Ser626Phe]SSNLAGNDDS